The following is an entry in ClinVar:

NM_020732.3:c.2634delC

Gene: ARID1B (AT-rich interaction domain 1B; plus strand).
Variant type: Deletion.
Other names: c.2634delC (NM_020732.3).
Identifiers: ClinVar variation 4279687 (VCV004279687.1).

ClinVar aggregate classification (germline): Pathogenic (1 of 4 stars; one submission).

Conditions:
Coffin-Siris syndrome 1 (CSS1). Also called: ARID1B-Related Coffin-Siris Syndrome; Mental retardation, autosomal dominant 12. Identifiers: Orphanet 1465, MedGen C3281201, MONDO:0007617, OMIM 135900. Disease mechanism: gain of function.

Submission:

Daryl Scott Lab, Baylor College of Medicine
Classification: Pathogenic for Coffin-Siris syndrome 1. Last evaluated: 2025-08-25. Review status: criteria provided, single submitter. Criteria: ACMG Guidelines, 2015. Collection method: clinical testing. Allele origin: de novo. Affected: yes. Observed: 1 heterozygote.
Comment: PVS1, PS2, PM2